The following is an entry in ClinVar:

NM_001851.6(COL9A1):c.780+7C>A

Gene: COL9A1 (collagen type IX alpha 1 chain; minus strand). Cytogenetic location: 6q13.
Variant type: single nucleotide variant.
Coding change: c.780+7C>A on transcript NM_001851.6 (MANE Select); 7 bases into the intron after coding-DNA position 780, C replaced by A.
Molecular consequence: intron variant.
Genome position (GRCh38, 1-based): chr6:70,283,730, G>T on the plus strand (C>A on the coding strand, the complement: COL9A1 is on the minus strand). VCF-style: chr6-70283730-G-T. GRCh37 (hg19) VCF-style: chr6-70993433-G-T.
Other names: c.780+7C>A (NM_001377291.1).
Identifiers: ClinVar variation 681732 (VCV000681732.14), dbSNP rs370822868, ClinGen allele CA3882721.

ClinVar aggregate classification (germline): Likely benign. Review status: criteria provided, multiple submitters, no conflicts (2 of 4 stars). 4 submissions from 4 submitters: Likely benign (3). 1 of the submissions does not count toward it. Last evaluated 2026-02-04.

Conditions:
COL9A1-related disorder. Also called: COL9A1-related disorders; COL9A1-related condition.

Allele frequency attached by ClinVar (database versions not stated): gnomAD 0.00011 and 0.00012; TOPMed 0.00013; ESP Exome Variant Server 0.00015; gnomAD exomes 0.00017; ExAC 0.00025.
gnomAD v4.1: 213 of 1,607,970 alleles (0.013%); highest among the groups gnomAD compares: Middle Eastern, 0.083%; no homozygotes.

Submissions (4):

Labcorp Genetics (formerly Invitae), Labcorp
Classification: Likely benign. Last evaluated: 2026-02-04. Review status: criteria provided, single submitter. Criteria: Invitae Variant Classification Sherloc (09022015). Collection method: clinical testing. Allele origin: germline.

Blueprint Genetics
Classification: Likely benign. Last evaluated: 2024-10-03. Review status: criteria provided, single submitter. Criteria: ACMG Guidelines, 2015. Collection method: clinical testing. Allele origin: germline.

GeneDx
Classification: Likely benign. Last evaluated: 2018-04-10. Review status: criteria provided, single submitter. Criteria: GeneDx Variant Classification (06012015). Collection method: clinical testing. Allele origin: germline. Affected: yes.
Comment: This variant is considered likely benign or benign based on one or more of the following criteria: it is a conservative change, it occurs at a poorly conserved position in the protein, it is predicted to be benign by multiple in silico algorithms, and/or has population frequency not consistent with disease.

PreventionGenetics, part of Exact Sciences
Classification: Likely benign for COL9A1-related condition. Last evaluated: 2019-05-23. Review status: no assertion criteria provided. Collection method: clinical testing. Allele origin: germline. Not counted in ClinVar's aggregate classification.
Comment: This variant is classified as likely benign based on ACMG/AMP sequence variant interpretation guidelines (Richards et al. 2015 PMID: 25741868, with internal and published modifications).